The following is an entry in ClinVar:

NM_001114753.3(ENG):c.521A>C (p.Gln174Pro)

Gene: ENG (endoglin; minus strand). Cytogenetic location: 9q34.11.
Variant type: single nucleotide variant.
Coding change: c.521A>C on transcript NM_001114753.3 (MANE Select); coding-DNA position 521, A replaced by C.
Protein change: p.Gln174Pro; replaces glutamine 174 with proline.
Molecular consequence: missense variant. On other transcripts: 5 prime UTR variant (1).
Genome position (GRCh38, 1-based): chr9:127,826,512, T>G on the plus strand (A>C on the coding strand, the complement: ENG is on the minus strand). VCF-style: chr9-127826512-T-G. GRCh37 (hg19) VCF-style: chr9-130588791-T-G.
Other names: c.521A>C, p.Gln174Pro (NM_000118.4, NM_001406715.1); c.-26A>C (NM_001278138.2); short protein forms Q174P.
Identifiers: ClinVar variation 4690057 (VCV004690057.1).
Genomic context (GRCh38, chr9:127,826,512, plus strand): 5'-AGCTCAGATTCCTCCTGAGCAGTATCATGAGCCCAGAGAGGTTGCTGGGGAAACTGACCT[T>G]GGCCCAGTCGGAGGAGGATGCTCTGGGGGTCATTCAGCTCAGCAGCAGAGGTGATGGGGC-3'
Protein context (NP_001108225.1, residues 164-184): DPQSILLRLG[Gln174Pro]AQGSLSFCML

ClinVar aggregate classification (germline): Uncertain significance (1 of 4 stars; one submission).

Submission:

GeneDx
Classification: Uncertain significance. Last evaluated: 2025-07-28. Review status: criteria provided, single submitter. Criteria: GeneDx Variant Classification Process June 2021. Collection method: clinical testing. Allele origin: germline. Affected: yes.
Comment: Not observed at significant frequency in large population cohorts (gnomAD); In silico analysis supports that this missense variant has a deleterious effect on protein structure/function; Has not been previously published as pathogenic or benign to our knowledge